The following is an entry in ClinVar:

NM_001854.4(COL11A1):c.1324G>A (p.Gly442Arg)

Gene: COL11A1 (collagen type XI alpha 1 chain; minus strand). Cytogenetic location: 1p21.1.
Variant type: single nucleotide variant.
Coding change: c.1324G>A on transcript NM_001854.4 (MANE Select); coding-DNA position 1324, G replaced by A.
Protein change: p.Gly442Arg; replaces glycine 442 with arginine.
Molecular consequence: missense variant. On other transcripts: non-coding transcript variant (1).
Genome position (GRCh38, 1-based): chr1:103,018,844, C>T on the plus strand (G>A on the coding strand, the complement: COL11A1 is on the minus strand). VCF-style: chr1-103018844-C-T. GRCh37 (hg19) VCF-style: chr1-103484400-C-T.
Other names: c.976G>A, p.Gly326Arg (NM_001168249.1, NM_080630.4); c.1207G>A, p.Gly403Arg (NM_001190709.2); c.1360G>A, p.Gly454Arg (NM_080629.3); short protein forms G326R, G403R, G442R, G454R.
Identifiers: ClinVar variation 2442473 (VCV002442473.2), dbSNP rs2525534181, ClinGen allele CA341180432.

ClinVar aggregate classification (germline): Uncertain significance. Review status: criteria provided, multiple submitters, no conflicts (2 of 4 stars). 2 submissions from 2 submitters: Uncertain significance (2). Last evaluated 2026-07-15.

Conditions:
COL11A1-related disorder. Also called: COL11A1-related condition; COL11A1-related disorders.

Allele frequency attached by ClinVar (database versions not stated): gnomAD exomes below 0.00001.
gnomAD v4.1: 1 of 1,612,524 alleles (0.000062%); highest among the groups gnomAD compares: South Asian, 0.0011%; no homozygotes.

Submissions (2):

PreventionGenetics, part of Exact Sciences
Classification: Uncertain significance for COL11A1-related condition. Last evaluated: 2026-07-15. Review status: criteria provided, single submitter. Criteria: ACMG Guidelines, 2015. Collection method: clinical testing. Allele origin: germline.
Comment: The COL11A1 c.1324G>A variant is predicted to result in the amino acid substitution p.Gly442Arg. To our knowledge, this variant has not been reported in the literature or in a large population database (gnomAD), indicating this variant is rare. At this time, the clinical significance of this variant is uncertain due to the absence of conclusive functional and genetic evidence.

GeneDx
Classification: Uncertain significance. Last evaluated: 2022-08-28. Review status: criteria provided, single submitter. Criteria: GeneDx Variant Classification Process June 2021. Collection method: clinical testing. Allele origin: germline. Affected: yes.
Comment: Not located in the triple helical region, where the majority of pathogenic missense variants occur (HGMD; Acke et al., 2014); In silico analysis supports that this missense variant has a deleterious effect on protein structure/function; Not observed at significant frequency in large population cohorts (gnomAD); Has not been previously published as pathogenic or benign to our knowledge; This variant is associated with the following publications: (PMID: 25240749)